The following is an entry in ClinVar:

NM_206933.4(USH2A):c.13567G>T (p.Val4523Phe)

Gene: USH2A (usherin; minus strand). Cytogenetic location: 1q41.
Variant type: single nucleotide variant.
Coding change: c.13567G>T on transcript NM_206933.4 (MANE Select); coding-DNA position 13567, G replaced by T.
Protein change: p.Val4523Phe; replaces valine 4523 with phenylalanine.
Molecular consequence: missense variant.
Genome position (GRCh38, 1-based): chr1:215,674,344, C>A on the plus strand (G>T on the coding strand, the complement: USH2A is on the minus strand). VCF-style: chr1-215674344-C-A. GRCh37 (hg19) VCF-style: chr1-215847686-C-A.
Other names: short protein forms V4523F.
Identifiers: ClinVar variation 865805 (VCV000865805.9), dbSNP rs746442849, ClinGen allele CA344844569.

ClinVar aggregate classification (germline): Conflicting classifications of pathogenicity. Review status: criteria provided, conflicting classifications (1 of 4 stars). 4 submissions from 3 submitters: Pathogenic (1); Likely pathogenic (1); Uncertain significance (2). Last evaluated 2025-10-16.

Conditions:
USH2A-related disorder. Also called: USH2A-related condition; USH2A-related disorders. Identifiers: MedGen CN239332.
Usher syndrome type 2A. Also called: RETINAL DISEASE IN USHER SYNDROME TYPE IIA, MODIFIER OF; USHER SYNDROME, TYPE IIA. Identifiers: Orphanet 231178, Orphanet 886, MedGen C1848634, MONDO:0010169, OMIM 276901.
Retinitis pigmentosa 39 (RP39). Identifiers: Orphanet 791, MedGen C3151138, MONDO:0013436, OMIM 613809.

Allele frequency attached by ClinVar (database versions not stated): TOPMed 0.00001.
gnomAD v4.1: 33 of 1,613,844 alleles (0.002%); highest among the groups gnomAD compares: Non-Finnish European, 0.0025%; no homozygotes.

Submissions (4):

Labcorp Genetics (formerly Invitae), Labcorp
Classification: Likely pathogenic. Last evaluated: 2025-10-16. Review status: criteria provided, single submitter. Criteria: Invitae Variant Classification Sherloc (09022015). Collection method: clinical testing. Allele origin: germline.
Comment: This sequence change replaces valine, which is neutral and non-polar, with phenylalanine, which is neutral and non-polar, at codon 4523 of the USH2A protein (p.Val4523Phe). This variant is present in population databases (no rsID available, gnomAD 0.003%). This missense change has been observed in individuals with retinitis pigmentosa (PMID: 35836572, 36669873; internal data). ClinVar contains an entry for this variant (Variation ID: 865805). Invitae Evidence Modeling of protein sequence and biophysical properties (such as structural, functional, and spatial information, amino acid conservation, physicochemical variation, residue mobility, and thermodynamic stability) indicates that this missense variant is not expected to disrupt USH2A protein function with a negative predictive value of 95%. In summary, the currently available evidence indicates that the variant is pathogenic, but additional data are needed to prove that conclusively. Therefore, this variant has been classified as Likely Pathogenic.

Genome-Nilou Lab
Classification: Uncertain significance for Retinitis pigmentosa 39. Last evaluated: 2023-11-04. Review status: criteria provided, single submitter. Criteria: ACMG Guidelines, 2015. Collection method: clinical testing. Allele origin: germline. Affected: no.

Genome-Nilou Lab
Classification: Uncertain significance for Usher syndrome type 2A. Last evaluated: 2023-11-04. Review status: criteria provided, single submitter. Criteria: ACMG Guidelines, 2015. Collection method: clinical testing. Allele origin: germline. Affected: no.

Blueprint Genetics
Classification: Pathogenic for USH2A-related disorders. Last evaluated: 2023-07-03. Review status: criteria provided, single submitter. Criteria: ACMG Guidelines, 2015. Collection method: clinical testing. Allele origin: germline. Affected: yes. Observed: 5 variant alleles.

Literature cited by the submitters: PubMed 35836572 (cited by Labcorp Genetics (formerly Invitae), Labcorp); PubMed 36669873 (cited by Labcorp Genetics (formerly Invitae), Labcorp).